The following is an entry in ClinVar:

ClinVar aggregate classification (germline): Uncertain significance (1 of 4 stars; one submission).

Submission:

Labcorp Genetics (formerly Invitae), Labcorp
Classification: Uncertain significance. Last evaluated: 2023-10-09. Review status: criteria provided, single submitter. Criteria: Invitae Variant Classification Sherloc (09022015). Collection method: clinical testing. Allele origin: germline.
Comment: This sequence change replaces glutamine, which is neutral and polar, with glutamic acid, which is acidic and polar, at codon 147 of the PROM1 protein (p.Gln147Glu). This variant is not present in population databases (gnomAD no frequency). This variant has not been reported in the literature in individuals affected with PROM1-related conditions. Advanced modeling of protein sequence and biophysical properties (such as structural, functional, and spatial information, amino acid conservation, physicochemical variation, residue mobility, and thermodynamic stability) performed at Invitae indicates that this missense variant is not expected to disrupt PROM1 protein function. In summary, the available evidence is currently insufficient to determine the role of this variant in disease. Therefore, it has been classified as a Variant of Uncertain Significance.

NM_006017.3(PROM1):c.439C>G (p.Gln147Glu)

Gene: PROM1 (prominin 1; minus strand). Cytogenetic location: 4p15.32.
Variant type: single nucleotide variant.
Coding change: c.439C>G on transcript NM_006017.3 (MANE Select); coding-DNA position 439, C replaced by G.
Protein change: p.Gln147Glu; replaces glutamine 147 with glutamic acid.
Molecular consequence: missense variant.
Genome position (GRCh38, 1-based): chr4:16,033,374, G>C on the plus strand (C>G on the coding strand, the complement: PROM1 is on the minus strand). VCF-style: chr4-16033374-G-C. GRCh37 (hg19) VCF-style: chr4-16034997-G-C.
Other names: c.412C>G, p.Gln138Glu (NM_001145847.2, NM_001145848.2, NM_001145851.2 and 4 more transcripts); c.439C>G, p.Gln147Glu (NM_001145849.2, NM_001145850.2); short protein forms Q147E, Q138E.
Identifiers: ClinVar variation 2767245 (VCV002767245.3), dbSNP rs1733191679, ClinGen allele CA356427549.